The following is an entry in ClinVar:

ClinVar aggregate classification (germline): Uncertain significance (1 of 4 stars; one submission).

Submission:

Labcorp Genetics (formerly Invitae), Labcorp
Classification: Uncertain significance. Last evaluated: 2024-10-21. Review status: criteria provided, single submitter. Criteria: Invitae Variant Classification Sherloc (09022015). Collection method: clinical testing. Allele origin: germline.
Comment: This sequence change affects codon 160 of the CARD8 mRNA. It is a 'silent' change, meaning that it does not change the encoded amino acid sequence of the CARD8 protein. This variant is not present in population databases (gnomAD no frequency). This variant has not been reported in the literature in individuals affected with CARD8-related conditions. Algorithms developed to predict the effect of sequence changes on RNA splicing suggest that this variant may create or strengthen a splice site. In summary, the available evidence is currently insufficient to determine the role of this variant in disease. Therefore, it has been classified as a Variant of Uncertain Significance.

NM_001184900.3(CARD8):c.630G>T (p.Ala210=)

Gene: CARD8 (caspase recruitment domain family member 8; minus strand). Cytogenetic location: 19q13.33.
Variant type: single nucleotide variant.
Coding change: c.630G>T on transcript NM_001184900.3 (MANE Select); coding-DNA position 630, G replaced by T.
Protein change: p.Ala210=; no amino-acid change (alanine 210 retained).
Molecular consequence: synonymous variant. On other transcripts: non-coding transcript variant (4).
Genome position (GRCh38, 1-based): chr19:48,230,919, C>A on the plus strand (G>T on the coding strand, the complement: CARD8 is on the minus strand). VCF-style: chr19-48230919-C-A. GRCh37 (hg19) VCF-style: chr19-48734176-C-A.
Other names: c.480G>T, p.Ala160= (NM_001184901.1, NM_001351783.2, NM_001351788.2 and 2 more transcripts); c.630G>T, p.Ala210= (NM_001184902.2, NM_001184903.1, NM_001351782.2); c.315G>T, p.Ala105= (NM_001351784.2, NM_001351787.2, NM_001351791.2 and 2 more transcripts); c.294G>T, p.Ala98= (NM_001351786.2); c.387G>T, p.Ala129= (NM_001351790.2); c.-193G>T (NM_001426741.1).
Identifiers: ClinVar variation 2707397 (VCV002707397.3), dbSNP rs144642248, ClinGen allele CA508262270.